The following is an entry in ClinVar:

ClinVar aggregate classification (germline): Pathogenic. Review status: criteria provided, single submitter (1 of 4 stars). 2 submissions from 2 submitters: Pathogenic (1). 1 of the submissions does not count toward it. Last evaluated 2024-04-13.

Conditions:
Alstrom syndrome (ALMS). Identifiers: Orphanet 64, MedGen C0268425, MONDO:0008763, OMIM 203800.

Submissions (2):

Labcorp Genetics (formerly Invitae), Labcorp
Classification: Pathogenic for Alstrom syndrome. Last evaluated: 2024-04-13. Review status: criteria provided, single submitter. Criteria: Invitae Variant Classification Sherloc (09022015). Collection method: clinical testing. Allele origin: germline.
Comment: This sequence change creates a premature translational stop signal (p.Phe2712Leufs*75) in the ALMS1 gene. It is expected to result in an absent or disrupted protein product. Loss-of-function variants in ALMS1 are known to be pathogenic (PMID: 17594715). This variant is not present in population databases (gnomAD no frequency). This variant has not been reported in the literature in individuals affected with ALMS1-related conditions. ClinVar contains an entry for this variant (Variation ID: 556880). For these reasons, this variant has been classified as Pathogenic.

Counsyl
Classification: Likely pathogenic for Alstrom syndrome. Last evaluated: 2018-02-28. Review status: no assertion criteria provided. Collection method: clinical testing. Allele origin: unknown. Not counted in ClinVar's aggregate classification.

Literature cited by the submitters: PubMed 17594715 (cited by Labcorp Genetics (formerly Invitae), Labcorp).

NM_001378454.1(ALMS1):c.8133del (p.Phe2711fs)

Gene: ALMS1 (ALMS1 centrosome and basal body associated protein; plus strand). Cytogenetic location: 2p13.1.
Variant type: Deletion.
Coding change: c.8133del on transcript NM_001378454.1 (MANE Select); coding-DNA position 8133, one base deleted (T; older notation c.8133delT).
Protein change: p.Phe2711fs; shifts the reading frame from phenylalanine 2711.
Molecular consequence: frameshift variant.
Genome position (GRCh38, 1-based): chr2:73,490,092, T deleted; the last of 3 consecutive T bases (chr2:73,490,090-73,490,092); deleting any one gives the same sequence. VCF-style (leftmost placement, unchanged base first): chr2-73490089-GT-G. GRCh37 (hg19) VCF-style: chr2-73717216-GT-G.
Other names: c.8136del, p.Phe2712fs (NM_015120.4); c.8136delT (NM_015120.4); short protein forms F2712fs, F2711fs.
Identifiers: ClinVar variation 556880 (VCV000556880.8), dbSNP rs1553409683, ClinGen allele CA658821974.